The following is an entry in ClinVar:

NM_001378418.1(TCF20):c.1166T>G (p.Leu389Arg)

Gene: TCF20 (transcription factor 20; minus strand). Cytogenetic location: 22q13.2.
Variant type: single nucleotide variant.
Coding change: c.1166T>G on transcript NM_001378418.1 (MANE Select); coding-DNA position 1166, T replaced by G.
Protein change: p.Leu389Arg; replaces leucine 389 with arginine.
Molecular consequence: missense variant.
Genome position (GRCh38, 1-based): chr22:42,214,140, A>C on the plus strand (T>G on the coding strand, the complement: TCF20 is on the minus strand). VCF-style: chr22-42214140-A-C. GRCh37 (hg19) VCF-style: chr22-42610146-A-C.
Other names: c.1166T>G, p.Leu389Arg (NM_005650.4, NM_181492.3); short protein forms L389R.
Identifiers: ClinVar variation 3361631 (VCV003361631.1).

ClinVar aggregate classification (germline): Uncertain significance (1 of 4 stars; one submission).

gnomAD v4.1: 2 of 1,614,064 alleles (0.00012%); highest among the groups gnomAD compares: African/African-American, 0.0027%; no homozygotes.

Submission:

GeneDx
Classification: Uncertain significance. Last evaluated: 2023-07-28. Review status: criteria provided, single submitter. Criteria: GeneDx Variant Classification Process June 2021. Collection method: clinical testing. Allele origin: germline. Affected: yes.
Comment: Not observed at significant frequency in large population cohorts (gnomAD); In silico analysis supports that this missense variant has a deleterious effect on protein structure/function; Has not been previously published as pathogenic or benign to our knowledge